The following is an entry in ClinVar:

ClinVar aggregate classification (germline): Uncertain significance. Review status: criteria provided, single submitter (1 of 4 stars). 2 submissions from 2 submitters: Uncertain significance (1). 1 of the submissions does not count toward it. Last evaluated 2025-06-07.

Conditions:
PICALM-related disorder. Also called: PICALM-related condition.

Allele frequency attached by ClinVar (database versions not stated): 1000 Genomes Project 0.00020; TOPMed 0.00005; gnomAD 0.00007; 1000 Genomes Project 30x 0.00031; ESP Exome Variant Server 0.00008; ExAC 0.00020.
gnomAD v4.1: 130 of 1,508,250 alleles (0.0086%); highest among the groups gnomAD compares: South Asian, 0.086%; 1 homozygote.

Submissions (2):

Ambry Genetics
Classification: Uncertain significance. Last evaluated: 2025-06-07. Review status: criteria provided, single submitter. Criteria: Ambry Variant Classification Scheme 2023. Collection method: clinical testing. Allele origin: germline.

PreventionGenetics, part of Exact Sciences
Classification: Likely benign for PICALM-related condition. Last evaluated: 2019-02-22. Review status: no assertion criteria provided. Collection method: clinical testing. Allele origin: germline. Not counted in ClinVar's aggregate classification.
Comment: This variant is classified as likely benign based on ACMG/AMP sequence variant interpretation guidelines (Richards et al. 2015 PMID: 25741868, with internal and published modifications).

NM_007166.4(PICALM):c.1777A>G (p.Met593Val)

Gene: PICALM (phosphatidylinositol binding clathrin assembly protein; minus strand). Cytogenetic location: 11q14.2.
Variant type: single nucleotide variant.
Coding change: c.1777A>G on transcript NM_007166.4 (MANE Select); coding-DNA position 1777, A replaced by G.
Protein change: p.Met593Val; replaces methionine 593 with valine.
Molecular consequence: missense variant.
Genome position (GRCh38, 1-based): chr11:85,981,131, T>C on the plus strand (A>G on the coding strand, the complement: PICALM is on the minus strand). VCF-style: chr11-85981131-T-C. GRCh37 (hg19) VCF-style: chr11-85692174-T-C.
Other names: c.1627A>G, p.Met543Val (NM_001008660.3); c.1756A>G, p.Met586Val (NM_001206946.2); c.1474A>G, p.Met492Val (NM_001206947.2); c.1777A>G, p.Met593Val (NM_001411034.1); short protein forms M492V, M543V, M586V, M593V.
Identifiers: ClinVar variation 3057529 (VCV003057529.3), dbSNP rs377101068, ClinGen allele CA6215631.